The following is an entry in ClinVar:

NM_001042517.2(DIAPH3):c.1480+1G>T

Gene: DIAPH3 (diaphanous related formin 3; minus strand). Cytogenetic location: 13q21.2.
Variant type: single nucleotide variant.
Coding change: c.1480+1G>T on transcript NM_001042517.2 (MANE Select); the canonical splice donor site of the intron after coding-DNA position 1480, G replaced by T.
Molecular consequence: splice donor variant.
Genome position (GRCh38, 1-based): chr13:59,983,768, C>A on the plus strand (G>T on the coding strand, the complement: DIAPH3 is on the minus strand). VCF-style: chr13-59983768-C-A. GRCh37 (hg19) VCF-style: chr13-60557902-C-A.
Other names: c.1270+1G>T (NM_001258368.2); c.1342+1G>T (NM_001258367.2); c.1447+1G>T (NM_001258366.2); c.1480+1G>T (NM_001258369.2); c.691+1G>T (NM_030932.4, NM_001258370.2).
Identifiers: ClinVar variation 1369786 (VCV001369786.3), dbSNP rs2051187365, ClinGen allele CA388333034.
Genomic context (GRCh38, chr13:59,983,768, plus strand): 5'-TAGAGCTCATTCATAGAATAAGAGACAATAAGATATTTCTATTTAAATAATAAATACTCA[C>A]CTACAAACTGGGTTAAATCTAAATCTAGTCTTTTTCGATATGTGAAGTCTGGATCCATTC-3'

ClinVar aggregate classification (germline): Uncertain significance (1 of 4 stars; one submission).

Allele frequency attached by ClinVar (database versions not stated): gnomAD exomes below 0.00001; TOPMed 0.00001.
gnomAD v4.1: 2 of 1,558,986 alleles (0.00013%); highest among the groups gnomAD compares: Non-Finnish European, 0.000088%; no homozygotes.

Submission:

Labcorp Genetics (formerly Invitae), Labcorp
Classification: Uncertain significance. Last evaluated: 2022-07-12. Review status: criteria provided, single submitter. Criteria: Invitae Variant Classification Sherloc (09022015). Collection method: clinical testing. Allele origin: germline.
Comment: This sequence change affects a donor splice site in intron 13 of the DIAPH3 gene. It is expected to disrupt RNA splicing. Variants that disrupt the donor or acceptor splice site typically lead to a loss of protein function (PMID: 16199547), however the current clinical and genetic evidence is not sufficient to establish whether loss-of-function variants in DIAPH3 cause disease. This variant is not present in population databases (gnomAD no frequency). This variant has not been reported in the literature in individuals affected with DIAPH3-related conditions. ClinVar contains an entry for this variant (Variation ID: 1369786). Algorithms developed to predict the effect of sequence changes on RNA splicing suggest that this variant may disrupt the consensus splice site. In summary, the available evidence is currently insufficient to determine the role of this variant in disease. Therefore, it has been classified as a Variant of Uncertain Significance.

Literature cited by the submitters: PubMed 16199547.